The following is an entry in ClinVar:

ClinVar aggregate classification (germline): Uncertain significance. Review status: criteria provided, multiple submitters, no conflicts (2 of 4 stars). 2 submissions from 2 submitters: Uncertain significance (2). Last evaluated 2025-02-25.

Conditions:
Arrhythmogenic right ventricular dysplasia 10. Also called: Arrhythmogenic Right Ventricular Dysplasia/Cardiomyopathy10; Arrhythmogenic right ventricular dysplasia/cardiomyopathy, type 10; ARRHYTHMOGENIC RIGHT VENTRICULAR DYSPLASIA, FAMILIAL, 10. Identifiers: MedGen C1857777, MONDO:0012434, OMIM 610193.

Allele frequency attached by ClinVar (database versions not stated): gnomAD exomes below 0.00001; ExAC 0.00001.

Submissions (2):

GeneDx
Classification: Uncertain significance. Last evaluated: 2025-02-25. Review status: criteria provided, single submitter. Criteria: GeneDx Variant Classification Process June 2021. Collection method: clinical testing. Allele origin: germline. Affected: yes.
Comment: Not observed at significant frequency in large population cohorts (gnomAD); In silico analysis supports that this missense variant has a deleterious effect on protein structure/function; Has not been previously published as pathogenic or benign to our knowledge

Illumina Laboratory Services, Illumina
Classification: Uncertain significance for Arrhythmogenic right ventricular dysplasia 10. Last evaluated: 2017-04-27. Review status: criteria provided, single submitter. Criteria: ICSL Variant Classification Criteria 13 December 2019. Collection method: clinical testing. Allele origin: germline.

NM_001943.5(DSG2):c.182G>T (p.Gly61Val)

Gene: DSG2 (desmoglein 2; plus strand). Cytogenetic location: 18q12.1.
Variant type: single nucleotide variant.
Coding change: c.182G>T on transcript NM_001943.5 (MANE Select); coding-DNA position 182, G replaced by T.
Protein change: p.Gly61Val; replaces glycine 61 with valine.
Molecular consequence: missense variant.
Genome position (GRCh38, 1-based): chr18:31,519,903, G>T. VCF-style: chr18-31519903-G-T. GRCh37 (hg19) VCF-style: chr18-29099866-G-T.
Other names: short protein forms G61V.
Identifiers: ClinVar variation 891923 (VCV000891923.5), dbSNP rs779224655, ClinGen allele CA043822.